The following is an entry in ClinVar:

ClinVar aggregate classification (germline): Uncertain significance (1 of 4 stars; one submission).

Conditions:
Asphyxiating thoracic dystrophy 5 (SRTD5). Also called: SHORT-RIB THORACIC DYSPLASIA 5 WITH OR WITHOUT POLYDACTYLY; SHORT-RIB THORACIC DYSPLASIA 5 WITHOUT POLYDACTYLY. Identifiers: Orphanet 474, MedGen C3280598, MONDO:0013717, OMIM 614376.
Senior-Loken syndrome 8 (SLSN8). Identifiers: Orphanet 3156, MedGen C4225376, MONDO:0014579, OMIM 616307.

Submission:

Labcorp Genetics (formerly Invitae), Labcorp
Classification: Uncertain significance for Senior-Loken syndrome 8; Asphyxiating thoracic dystrophy 5. Last evaluated: 2022-06-23. Review status: criteria provided, single submitter. Criteria: Invitae Variant Classification Sherloc (09022015). Collection method: clinical testing. Allele origin: germline.
Comment: This variant is not present in population databases (gnomAD no frequency). This sequence change replaces glycine, which is neutral and non-polar, with aspartic acid, which is acidic and polar, at codon 705 of the WDR19 protein (p.Gly705Asp). In summary, the available evidence is currently insufficient to determine the role of this variant in disease. Therefore, it has been classified as a Variant of Uncertain Significance. Algorithms developed to predict the effect of missense changes on protein structure and function are either unavailable or do not agree on the potential impact of this missense change (SIFT: "Deleterious"; PolyPhen-2: "Benign"; Align-GVGD: "Class C15"). This variant has not been reported in the literature in individuals affected with WDR19-related conditions.

NM_025132.4(WDR19):c.2114G>A (p.Gly705Asp)

Gene: WDR19 (WD repeat domain 19; plus strand). Cytogenetic location: 4p14.
Variant type: single nucleotide variant.
Coding change: c.2114G>A on transcript NM_025132.4 (MANE Select); coding-DNA position 2114, G replaced by A.
Protein change: p.Gly705Asp; replaces glycine 705 with aspartic acid.
Molecular consequence: missense variant.
Genome position (GRCh38, 1-based): chr4:39,231,928, G>A. VCF-style: chr4-39231928-G-A. GRCh37 (hg19) VCF-style: chr4-39233548-G-A.
Other names: c.1634G>A, p.Gly545Asp (NM_001317924.2); short protein forms G545D, G705D.
Identifiers: ClinVar variation 2009827 (VCV002009827.4), dbSNP rs2475203348, ClinGen allele CA356634093.